The following is an entry in ClinVar:

ClinVar aggregate classification (germline): Uncertain significance. Review status: criteria provided, multiple submitters, no conflicts (2 of 4 stars). 3 submissions from 3 submitters: Uncertain significance (2). 1 of the submissions does not count toward it. Last evaluated 2022-07-05.

Conditions:
Glycogen storage disease type III (GSD3). Also called: Cori disease; FORBES DISEASE. Identifiers: Orphanet 366, MedGen C0017922, MONDO:0009291, OMIM 232400.

Allele frequency attached by ClinVar (database versions not stated): gnomAD exomes below 0.00001; ExAC 0.00001; gnomAD 0.00001; TOPMed 0.00001.
gnomAD v4.1: 6 of 1,612,396 alleles (0.00037%); highest among the groups gnomAD compares: Non-Finnish European, 0.00042%; no homozygotes.

Submissions (3):

Labcorp Genetics (formerly Invitae), Labcorp
Classification: Uncertain significance for Glycogen storage disease type III. Last evaluated: 2022-07-05. Review status: criteria provided, single submitter. Criteria: Invitae Variant Classification Sherloc (09022015). Collection method: clinical testing. Allele origin: germline.
Comment: This sequence change replaces alanine, which is neutral and non-polar, with threonine, which is neutral and polar, at codon 1440 of the AGL protein (p.Ala1440Thr). This variant is present in population databases (rs754359314, gnomAD 0.0009%). This variant has not been reported in the literature in individuals affected with AGL-related conditions. ClinVar contains an entry for this variant (Variation ID: 1038864). Algorithms developed to predict the effect of missense changes on protein structure and function are either unavailable or do not agree on the potential impact of this missense change (SIFT: "Deleterious"; PolyPhen-2: "Probably Damaging"; Align-GVGD: "Class C0"). In summary, the available evidence is currently insufficient to determine the role of this variant in disease. Therefore, it has been classified as a Variant of Uncertain Significance.

Blueprint Genetics
Classification: Uncertain significance. Last evaluated: 2020-04-22. Review status: criteria provided, single submitter. Criteria: ACMG Guidelines, 2015. Collection method: clinical testing. Allele origin: germline.

Natera, Inc.
Classification: Uncertain significance for Glycogen storage disease type III. Last evaluated: 2020-09-09. Review status: no assertion criteria provided. Collection method: clinical testing. Allele origin: germline. Not counted in ClinVar's aggregate classification.

NM_000642.3(AGL):c.4318G>A (p.Ala1440Thr)

Gene: AGL (amylo-alpha-1,6-glucosidase and 4-alpha-glucanotransferase; plus strand). Cytogenetic location: 1p21.2.
Variant type: single nucleotide variant.
Coding change: c.4318G>A on transcript NM_000642.3 (MANE Select); coding-DNA position 4318, G replaced by A.
Protein change: p.Ala1440Thr; replaces alanine 1440 with threonine.
Molecular consequence: missense variant.
Genome position (GRCh38, 1-based): chr1:99,916,468, G>A. VCF-style: chr1-99916468-G-A. GRCh37 (hg19) VCF-style: chr1-100382024-G-A.
Other names: c.4318G>A, p.Ala1440Thr (NM_000028.3, NM_000643.3, NM_000644.3 and 1 more transcripts); c.4270G>A, p.Ala1424Thr (NM_000646.3); c.4297G>A, p.Ala1433Thr (NM_001425326.1); c.4117G>A, p.Ala1373Thr (NM_001425327.1); c.4114G>A, p.Ala1372Thr (NM_001425328.1); c.3979G>A, p.Ala1327Thr (NM_001425329.1); c.3940G>A, p.Ala1314Thr (NM_001425332.1); short protein forms A1424T, A1440T, A1314T, A1327T, A1372T, A1373T, A1433T.
Identifiers: ClinVar variation 1038864 (VCV001038864.7), dbSNP rs754359314, ClinGen allele CA967399.
Genomic context (GRCh38, chr1:99,916,468, plus strand): 5'-AGTGATATGGTTTACTGTGGAATTTATGACAATGCATTAGACAATGACAACTACAATCTT[G>A]CTAAAGGTTTCAATTATCACCAAGGACCTGTAAGAATTTCATTTATCTTCTGAGTTTCAG-3'
Protein context (NP_000633.2, residues 1430-1450): NALDNDNYNL[Ala1440Thr]KGFNYHQGPE